The following is an entry in ClinVar:

NM_000455.5(STK11):c.1212del (p.Arg405fs)

Gene: STK11 (serine/threonine kinase 11; plus strand). Cytogenetic location: 19p13.3.
Variant type: Deletion.
Coding change: c.1212del on transcript NM_000455.5 (MANE Select); coding-DNA position 1212, one base deleted (C; older notation c.1212delC).
Protein change: p.Arg405fs; shifts the reading frame from arginine 405.
Molecular consequence: frameshift variant. On other transcripts: non-coding transcript variant (1).
Genome position (GRCh38, 1-based): chr19:1,226,557, C deleted; the last of 2 consecutive C bases (chr19:1,226,556-1,226,557); deleting either gives the same sequence. VCF-style (leftmost placement, unchanged base first): chr19-1226555-TC-T. GRCh37 (hg19) VCF-style: chr19-1226554-TC-T.
Other names: short protein forms R405fs.
Identifiers: ClinVar variation 3450558 (VCV003450558.1).

ClinVar aggregate classification (germline): Uncertain significance (1 of 4 stars; one submission).

Conditions:
Hereditary cancer-predisposing syndrome. Also called: Tumor predisposition; Neoplastic Syndromes, Hereditary; Hereditary neoplastic syndrome; Hereditary Cancer Syndrome. Identifiers: Orphanet 140162, MedGen C0027672, MeSH D009386, MONDO:0015356.

Submission:

Ambry Genetics
Classification: Uncertain significance for Hereditary cancer-predisposing syndrome. Last evaluated: 2024-08-19. Review status: criteria provided, single submitter. Criteria: Ambry Variant Classification Scheme 2023. Collection method: clinical testing. Allele origin: germline.
Comment: The c.1212delC variant, located in coding exon 9 of the STK11 gene, results from a deletion of one nucleotide at nucleotide position 1212, causing a translational frameshift with a predicted alternate stop codon (p.R405Gfs*105). This alteration occurs at the 3' terminus of theSTK11 gene, is not expected to trigger nonsense-mediated mRNAdecay and results in the elongation of the protein by 15 amino acids. This frameshift impacts the last 29amino acids of the native protein. The exact functional effect of the altered amino acids is unknown. Based on the available evidence, the clinical significance of this variant remains unclear.